The following is an entry in ClinVar:

NM_018192.4(P3H2):c.480+1G>T

Gene: P3H2 (prolyl 3-hydroxylase 2; minus strand). Cytogenetic location: 3q28.
Variant type: single nucleotide variant.
Coding change: c.480+1G>T on transcript NM_018192.4 (MANE Select); the canonical splice donor site of the intron after coding-DNA position 480, G replaced by T.
Molecular consequence: splice donor variant. On other transcripts: intron variant (1).
Genome position (GRCh38, 1-based): chr3:190,120,251, C>A on the plus strand (G>T on the coding strand, the complement: P3H2 is on the minus strand). VCF-style: chr3-190120251-C-A. GRCh37 (hg19) VCF-style: chr3-189838040-C-A.
Other names: c.-64+1952G>T (NM_001134418.2).
Identifiers: ClinVar variation 2111126 (VCV002111126.4), dbSNP rs2473981502, ClinGen allele CA355859390.
Genomic context (GRCh38, chr3:190,120,251, plus strand): 5'-GGCTCAAGAGAGCGTGTGAGAGCCGCAGGGGCTTTGCAGTGGAGGAGCGCTCTGTGGGTA[C>A]CTTGATGTAGGCCCGCTGCAGGTAGTTGTAGGGCACTCTGCGCTGGAAGTCGCTGCGCAC-3'

ClinVar aggregate classification (germline): Likely pathogenic (1 of 4 stars; one submission).

Allele frequency attached by ClinVar (database versions not stated): gnomAD exomes below 0.00001.
gnomAD v4.1: 2 of 1,610,002 alleles (0.00012%); highest among the groups gnomAD compares: Non-Finnish European, 0.00017%; no homozygotes.

Submission:

Labcorp Genetics (formerly Invitae), Labcorp
Classification: Likely pathogenic. Last evaluated: 2022-11-08. Review status: criteria provided, single submitter. Criteria: Invitae Variant Classification Sherloc (09022015). Collection method: clinical testing. Allele origin: germline.
Comment: This variant is not present in population databases (gnomAD no frequency). In summary, the currently available evidence indicates that the variant is pathogenic, but additional data are needed to prove that conclusively. Therefore, this variant has been classified as Likely Pathogenic. Algorithms developed to predict the effect of sequence changes on RNA splicing suggest that this variant may disrupt the consensus splice site. This variant has not been reported in the literature in individuals affected with P3H2-related conditions. This sequence change affects a donor splice site in intron 1 of the P3H2 gene. It is expected to disrupt RNA splicing. Variants that disrupt the donor or acceptor splice site typically lead to a loss of protein function (PMID: 16199547), and loss-of-function variants in P3H2 are known to be pathogenic (PMID: 24172257, 25469533).

Literature cited by the submitters: PubMed 16199547; PubMed 24172257; PubMed 25469533.